The following is an entry in ClinVar:

ClinVar aggregate classification (germline): Uncertain significance (1 of 4 stars; one submission).

Conditions:
Hyper-IgM syndrome type 5 (HIGM5). Also called: Hyper-IgM Immunodeficiency Syndrome, Type 5. Identifiers: Orphanet 101092, MedGen C1720958, MONDO:0011971, OMIM 608106.

Allele frequency attached by ClinVar (database versions not stated): gnomAD exomes below 0.00001.
gnomAD v4.1: 3 of 1,613,102 alleles (0.00019%); highest among the groups gnomAD compares: Non-Finnish European, 0.00025%; no homozygotes.

Submission:

Labcorp Genetics (formerly Invitae), Labcorp
Classification: Uncertain significance for Hyper-IgM syndrome type 5. Last evaluated: 2021-06-06. Review status: criteria provided, single submitter. Criteria: Invitae Variant Classification Sherloc (09022015). Collection method: clinical testing. Allele origin: germline.
Comment: In summary, the available evidence is currently insufficient to determine the role of this variant in disease. Therefore, it has been classified as a Variant of Uncertain Significance. Algorithms developed to predict the effect of missense changes on protein structure and function are either unavailable or do not agree on the potential impact of this missense change (SIFT: "Deleterious"; PolyPhen-2: "Probably Damaging"; Align-GVGD: "Class C0"). This variant has not been reported in the literature in individuals with UNG-related conditions. This variant is not present in population databases (ExAC no frequency). This sequence change replaces asparagine with aspartic acid at codon 181 of the UNG protein (p.Asn181Asp). The asparagine residue is highly conserved and there is a small physicochemical difference between asparagine and aspartic acid.

NM_080911.3(UNG):c.541A>G (p.Asn181Asp)

Gene: UNG (uracil DNA glycosylase; plus strand). Cytogenetic location: 12q24.11.
Variant type: single nucleotide variant.
Coding change: c.541A>G on transcript NM_080911.3 (MANE Select); coding-DNA position 541, A replaced by G.
Protein change: p.Asn181Asp; replaces asparagine 181 with aspartic acid.
Molecular consequence: missense variant.
Genome position (GRCh38, 1-based): chr12:109,102,846, A>G. VCF-style: chr12-109102846-A-G. GRCh37 (hg19) VCF-style: chr12-109540651-A-G.
Other names: c.514A>G, p.Asn172Asp (NM_003362.4); short protein forms N172D, N181D.
Identifiers: ClinVar variation 1488194 (VCV001488194.8), dbSNP rs2135886688, ClinGen allele CA386472038.
Genomic context (GRCh38, chr12:109,102,846, plus strand): 5'-TCAAAATTATGCTTAAGATTCTGTTTTTTGTTTTTCTTGTGGCTTGCTTTCAGTTTGGAG[A>G]ACATTTATAAAGAGTTGTCTACAGACATAGAGGATTTTGTTCATCCTGGCCATGGAGATT-3'
Protein context (NP_550433.1, residues 171-191): RPVPPPPSLE[Asn181Asp]IYKELSTDIE